The following is an entry in ClinVar:

ClinVar aggregate classification (germline): Conflicting classifications of pathogenicity. Review status: criteria provided, conflicting classifications (1 of 4 stars). 4 submissions from 4 submitters: Uncertain significance (3); Likely benign (1). Last evaluated 2025-11-05.

Conditions:
Cardiovascular phenotype. Identifiers: MedGen CN230736.
Cardiomyopathy (CMYO). Also called: Cardiomyopathies. Identifiers: Orphanet 167848, MedGen C0878544, MONDO:0004994, HP:0001638. Inheritance: Various modes of inheritance.
Arrhythmogenic right ventricular dysplasia 8 (ARVD8). Also called: Arrhythmogenic Right Ventricular Dysplasia/Cardiomyopathy 8; ARRHYTHMOGENIC RIGHT VENTRICULAR DYSPLASIA, FAMILIAL, 8; ARRHYTHMOGENIC RIGHT VENTRICULAR CARDIOMYOPATHY 8. Identifiers: MedGen C1843896, MONDO:0011831, OMIM 607450.
Arrhythmogenic cardiomyopathy with wooly hair and keratoderma. Also called: PALMOPLANTAR KERATODERMA WITH LEFT VENTRICULAR CARDIOMYOPATHY AND WOOLLY HAIR; Carvajal syndrome; Dilated cardiomyopathy with woolly hair and keratoderma; Arrhythmogenic cardiomyopathy with woolly hair and keratoderma. Identifiers: Orphanet 65282, MedGen C1854063, MONDO:0011581, OMIM 605676.
Keratosis palmoplantaris striata 2. Also called: KERATODERMA, PALMOPLANTAR, STRIATE FORM II; STRIATE PALMOPLANTAR KERATODERMA II; Keratosis palmoplantaris striata II. Identifiers: MedGen C1852127, MONDO:0013034, OMIM 612908.
Woolly hair-skin fragility syndrome (WHSF). Identifiers: Orphanet 293165, MedGen C1843292, MONDO:0957307, OMIM 620415.
Cardiomyopathy, dilated, with wooly hair, keratoderma, and tooth agenesis. Also called: Cardiomyopathy, dilated, with woolly hair, keratoderma, and tooth agenesis; Erythrokeratodermia-cardiomyopathy syndrome. Identifiers: Orphanet 476096, Orphanet 65282, MedGen C4014393, MONDO:0014355, OMIM 615821.
Lethal acantholytic epidermolysis bullosa (EBLA). Identifiers: Orphanet 158687, MedGen C1864826, MONDO:0012323, OMIM 609638.

Allele frequency attached by ClinVar (database versions not stated): gnomAD exomes 0.00002; ExAC 0.00003.
gnomAD v4.1: 12 of 1,613,990 alleles (0.00074%); highest among the groups gnomAD compares: Admixed American, 0.015%; no homozygotes.

Submissions (4):

Labcorp Genetics (formerly Invitae), Labcorp
Classification: Likely benign for Arrhythmogenic cardiomyopathy with wooly hair and keratoderma; Arrhythmogenic right ventricular dysplasia 8. Last evaluated: 2025-11-05. Review status: criteria provided, single submitter. Criteria: Invitae Variant Classification Sherloc (09022015). Collection method: clinical testing. Allele origin: germline.

Ambry Genetics
Classification: Uncertain significance for Cardiovascular phenotype. Last evaluated: 2025-02-06. Review status: criteria provided, single submitter. Criteria: Ambry Variant Classification Scheme 2023. Collection method: clinical testing. Allele origin: germline.
Comment: The p.R1411S variant (also known as c.4233G>C), located in coding exon 23 of the DSP gene, results from a G to C substitution at nucleotide position 4233. The arginine at codon 1411 is replaced by serine, an amino acid with dissimilar properties. This amino acid position is well conserved in available vertebrate species. In addition, this alteration is predicted to be deleterious by in silico analysis. Based on the available evidence, the clinical significance of this variant remains unclear.

Color Diagnostics, LLC DBA Color Health
Classification: Uncertain significance for Cardiomyopathy. Last evaluated: 2024-03-06. Review status: criteria provided, single submitter. Criteria: ACMG Guidelines, 2015. Collection method: clinical testing. Allele origin: germline.
Comment: This missense variant replaces arginine with serine at codon 1411 of the DSP protein. Computational prediction is inconclusive regarding the impact of this variant on protein structure and function (internally defined REVEL score threshold 0.5 < inconclusive < 0.7, PMID: 27666373). Splice site prediction tools suggest that this variant may not impact RNA splicing. To our knowledge, functional studies have not been performed for this variant. This variant has not been reported in individuals affected with cardiovascular disorders in the literature. This variant has been identified in 6/251220 chromosomes in the general population by the Genome Aggregation Database (gnomAD). The available evidence is insufficient to determine the role of this variant in disease conclusively. Therefore, this variant is classified as a Variant of Uncertain Significance.

Fulgent Genetics
Classification: Uncertain significance for Arrhythmogenic cardiomyopathy with wooly hair and keratoderma; Arrhythmogenic right ventricular dysplasia 8; Lethal acantholytic epidermolysis bullosa; Keratosis palmoplantaris striata 2; Cardiomyopathy, dilated, with wooly hair, keratoderma, and tooth agenesis. Last evaluated: 2021-09-21. Review status: criteria provided, single submitter. Criteria: ACMG Guidelines, 2015. Collection method: clinical testing. Allele origin: unknown.

NM_004415.4(DSP):c.4233G>C (p.Arg1411Ser)

Gene: DSP (desmoplakin; plus strand). Cytogenetic location: 6p24.3.
Variant type: single nucleotide variant.
Coding change: c.4233G>C on transcript NM_004415.4 (MANE Select); coding-DNA position 4233, G replaced by C.
Protein change: p.Arg1411Ser; replaces arginine 1411 with serine.
Molecular consequence: missense variant. On other transcripts: intron variant (2).
Genome position (GRCh38, 1-based): chr6:7,580,423, G>C. VCF-style: chr6-7580423-G-C. GRCh37 (hg19) VCF-style: chr6-7580656-G-C.
Other names: c.4050+183G>C (NM_001319034.2); c.3582+651G>C (NM_001008844.3); short protein forms R1411S.
Identifiers: ClinVar variation 926070 (VCV000926070.20), dbSNP rs771721410, ClinGen allele CA040815.